The following is an entry in ClinVar:

ClinVar aggregate classification (germline): Uncertain significance (1 of 4 stars; one submission).

Conditions:
Primary ciliary dyskinesia. Also called: Ciliary dyskinesia. Identifiers: Orphanet 244, MedGen C0008780, MONDO:0016575, HP:0012265.

Submission:

Labcorp Genetics (formerly Invitae), Labcorp
Classification: Uncertain significance for Primary ciliary dyskinesia. Last evaluated: 2022-07-01. Review status: criteria provided, single submitter. Criteria: Invitae Variant Classification Sherloc (09022015). Collection method: clinical testing. Allele origin: germline.
Comment: This variant is not present in population databases (gnomAD no frequency). This sequence change replaces histidine, which is basic and polar, with leucine, which is neutral and non-polar, at codon 597 of the DNAH11 protein (p.His597Leu). This variant has not been reported in the literature in individuals affected with DNAH11-related conditions. In summary, the available evidence is currently insufficient to determine the role of this variant in disease. Therefore, it has been classified as a Variant of Uncertain Significance. Advanced modeling of protein sequence and biophysical properties (such as structural, functional, and spatial information, amino acid conservation, physicochemical variation, residue mobility, and thermodynamic stability) performed at Invitae indicates that this missense variant is not expected to disrupt DNAH11 protein function.

NM_001277115.2(DNAH11):c.1790A>T (p.His597Leu)

Gene: DNAH11 (dynein axonemal heavy chain 11; plus strand). Cytogenetic location: 7p15.3.
Variant type: single nucleotide variant.
Coding change: c.1790A>T on transcript NM_001277115.2 (MANE Select); coding-DNA position 1790, A replaced by T.
Protein change: p.His597Leu; replaces histidine 597 with leucine.
Molecular consequence: missense variant.
Genome position (GRCh38, 1-based): chr7:21,588,143, A>T. VCF-style: chr7-21588143-A-T. GRCh37 (hg19) VCF-style: chr7-21627761-A-T.
Other names: c.1790A>T, p.His597Leu (NM_003777.3); short protein forms H597L.
Identifiers: ClinVar variation 2012689 (VCV002012689.4), dbSNP rs1207221088, ClinGen allele CA366938599.